The following is an entry in ClinVar:

NM_001040108.2(MLH3):c.688T>C (p.Tyr230His)

Gene: MLH3 (mutL homolog 3; minus strand). Cytogenetic location: 14q24.3.
Variant type: single nucleotide variant.
Coding change: c.688T>C on transcript NM_001040108.2 (MANE Select); coding-DNA position 688, T replaced by C.
Protein change: p.Tyr230His; replaces tyrosine 230 with histidine.
Molecular consequence: missense variant.
Genome position (GRCh38, 1-based): chr14:75,048,968, A>G on the plus strand (T>C on the coding strand, the complement: MLH3 is on the minus strand). VCF-style: chr14-75048968-A-G. GRCh37 (hg19) VCF-style: chr14-75515671-A-G.
Other names: c.688T>C, p.Tyr230His (NM_014381.3); short protein forms Y230H.
Identifiers: ClinVar variation 4860220 (VCV004860220.1).
Genomic context (GRCh38, chr14:75,048,968, plus strand): 5'-GCATATTCTTGTTGTAATGTGCTTCAGAGCTGATATAGCCACTAAGCTCAAACTCTTTAT[A>G]TTTAAAACTTATTTCTCTTAGCTTTTGGGACTTTCCCAATCCATAAATTTGACAAAATCG-3'
Protein context (NP_001035197.1, residues 220-240): SQKLREISFK[Tyr230His]KEFELSGYIS

ClinVar aggregate classification (germline): Uncertain significance (1 of 4 stars; one submission).

Submission:

Ambry Genetics
Classification: Uncertain significance. Last evaluated: 2026-05-27. Review status: criteria provided, single submitter. Criteria: Ambry Variant Classification Scheme 2023. Collection method: clinical testing. Allele origin: germline.
Comment: The p.Y230H variant (also known as c.688T>C), located in coding exon 1 of the MLH3 gene, results from a T to C substitution at nucleotide position 688. The tyrosine at codon 230 is replaced by histidine, an amino acid with similar properties. This amino acid position is conserved. In addition, this alteration is predicted to be tolerated by in silico analysis. Based on the available evidence, the clinical significance of this variant remains unclear.